The following is an entry in ClinVar:

NM_172250.3(MMAA):c.456del (p.Gly153fs)

Gene: MMAA (metabolism of cobalamin associated A; plus strand). Cytogenetic location: 4q31.21.
Variant type: Deletion.
Coding change: c.456del on transcript NM_172250.3 (MANE Select); coding-DNA position 456, one base deleted (T; older notation c.456delT).
Protein change: p.Gly153fs; shifts the reading frame from glycine 153.
Molecular consequence: frameshift variant.
Genome position (GRCh38, 1-based): chr4:145,642,379, T deleted. VCF-style (leftmost placement, unchanged base first): chr4-145642378-CT-C. GRCh37 (hg19) VCF-style: chr4-146563530-CT-C.
Other names: c.456del, p.Gly153fs (NM_001375644.1); short protein forms G153fs.
Identifiers: ClinVar variation 5006736 (VCV005006736.2).

ClinVar aggregate classification (germline): Likely pathogenic (1 of 4 stars; one submission).

Conditions:
Methylmalonic aciduria, cblA type (MACA). Also called: Methylmalonic aciduria, vitamin b12-responsive, due to defect in synthesis of adenosylcobalamin, cbla complementation type; MMA cbl A type; Methylmalonic acidemia cblA type; Methylmalonic aciduria, vitamin B12-responsive; Vitamin B12-responsive methylmalonic acidemia type cblA. Identifiers: Orphanet 28, Orphanet 79310, MedGen C1855109, MONDO:0009613, OMIM 251100.

Submission:

Juno Genomics, Hangzhou Juno Genomics, Inc
Classification: Likely pathogenic for Methylmalonic aciduria, cblA type. Review status: criteria provided, single submitter. Criteria: ACMG Guidelines, 2015. Collection method: clinical testing. Allele origin: germline.
Comment: Null variant in a gene where loss of function (LOF) is a known mechanism of disease.;Absent from controls (or at extremely low frequency if recessive) in Genome Aggregation Database.